The following is an entry in ClinVar:

ClinVar aggregate classification (germline): Likely benign (0 of 4 stars; one submission).

Conditions:
MYO16-related disorder. Also called: MYO16-related condition.

Allele frequency attached by ClinVar (database versions not stated): gnomAD 0.00005; ExAC 0.00007.
gnomAD v4.1: 94 of 1,613,610 alleles (0.0058%); highest among the groups gnomAD compares: Middle Eastern, 0.033%; no homozygotes.

Submission:

PreventionGenetics, part of Exact Sciences
Classification: Likely benign for MYO16-related condition. Last evaluated: 2019-10-28. Review status: no assertion criteria provided. Collection method: clinical testing. Allele origin: germline.
Comment: This variant is classified as likely benign based on ACMG/AMP sequence variant interpretation guidelines (Richards et al. 2015 PMID: 25741868, with internal and published modifications).

NM_001198950.3(MYO16):c.293-8G>T

Gene: MYO16 (myosin XVI; plus strand). Cytogenetic location: 13q33.3.
Variant type: single nucleotide variant.
Coding change: c.293-8G>T on transcript NM_001198950.3 (MANE Select); 8 bases into the intron before coding-DNA position 293, G replaced by T.
Molecular consequence: intron variant.
Genome position (GRCh38, 1-based): chr13:108,712,653, G>T. VCF-style: chr13-108712653-G-T. GRCh37 (hg19) VCF-style: chr13-109365001-G-T.
Other names: c.227-8G>T (NM_015011.3).
Identifiers: ClinVar variation 3046174 (VCV003046174.2), dbSNP rs771130006, ClinGen allele CA7044363.